The following is an entry in ClinVar:

NM_014319.5(LEMD3):c.2069T>C (p.Leu690Ser)

Gene: LEMD3 (LEM domain containing 3; plus strand). Cytogenetic location: 12q14.3.
Variant type: single nucleotide variant.
Coding change: c.2069T>C on transcript NM_014319.5 (MANE Select); coding-DNA position 2069, T replaced by C.
Protein change: p.Leu690Ser; replaces leucine 690 with serine.
Molecular consequence: missense variant.
Genome position (GRCh38, 1-based): chr12:65,240,181, T>C. VCF-style: chr12-65240181-T-C. GRCh37 (hg19) VCF-style: chr12-65633961-T-C.
Other names: c.2069T>C (NM_014319.4); c.2066T>C, p.Leu689Ser (NM_001167614.2); short protein forms L689S, L690S.
Identifiers: ClinVar variation 1358164 (VCV001358164.9), dbSNP rs750611668, ClinGen allele CA6671127.

ClinVar aggregate classification (germline): Uncertain significance. Review status: criteria provided, multiple submitters, no conflicts (2 of 4 stars). 2 submissions from 2 submitters: Uncertain significance (2). Last evaluated 2026-01-04.

Conditions:
Inborn genetic diseases. Identifiers: MedGen C0950123, MeSH D030342.

Allele frequency attached by ClinVar (database versions not stated): ExAC 0.00001; gnomAD exomes 0.00001 and 0.00006; TOPMed 0.00001.
gnomAD v4.1: 79 of 1,613,908 alleles (0.0049%); highest among the groups gnomAD compares: Non-Finnish European, 0.0066%; no homozygotes.

Submissions (2):

Labcorp Genetics (formerly Invitae), Labcorp
Classification: Uncertain significance. Last evaluated: 2026-01-04. Review status: criteria provided, single submitter. Criteria: Invitae Variant Classification Sherloc (09022015). Collection method: clinical testing. Allele origin: germline.
Comment: This sequence change replaces leucine, which is neutral and non-polar, with serine, which is neutral and polar, at codon 690 of the LEMD3 protein (p.Leu690Ser). This variant is present in population databases (rs750611668, gnomAD 0.007%). This variant has not been reported in the literature in individuals affected with LEMD3-related conditions. ClinVar contains an entry for this variant (Variation ID: 1358164). Invitae Evidence Modeling of protein sequence and biophysical properties (such as structural, functional, and spatial information, amino acid conservation, physicochemical variation, residue mobility, and thermodynamic stability) indicates that this missense variant is expected to disrupt LEMD3 protein function with a positive predictive value of 80%. In summary, the available evidence is currently insufficient to determine the role of this variant in disease. Therefore, it has been classified as a Variant of Uncertain Significance.

Ambry Genetics
Classification: Uncertain significance for Inborn genetic diseases. Last evaluated: 2025-10-07. Review status: criteria provided, single submitter. Criteria: Ambry Variant Classification Scheme 2023. Collection method: clinical testing. Allele origin: germline.